The following is an entry in ClinVar:

NM_006734.4(HIVEP2):c.3877C>A (p.Leu1293Ile)

Gene: HIVEP2 (HIVEP zinc finger 2; minus strand). Cytogenetic location: 6q24.2.
Variant type: single nucleotide variant.
Coding change: c.3877C>A on transcript NM_006734.4 (MANE Select); coding-DNA position 3877, C replaced by A.
Protein change: p.Leu1293Ile; replaces leucine 1293 with isoleucine.
Molecular consequence: missense variant.
Genome position (GRCh38, 1-based): chr6:142,770,862, G>T on the plus strand (C>A on the coding strand, the complement: HIVEP2 is on the minus strand). VCF-style: chr6-142770862-G-T. GRCh37 (hg19) VCF-style: chr6-143091999-G-T.
Other names: short protein forms L1293I.
Identifiers: ClinVar variation 746835 (VCV000746835.31), dbSNP rs35675714, ClinGen allele CA4028166.
Genomic context (GRCh38, chr6:142,770,862, plus strand): 5'-CCTGCTCAGAGGGCGTTTCAGTTGACTTACTGCTCTGGTCTGATGGAAACTTTGGAAGAA[G>T]GTTCTTTGGGTGTAGCCCTGATGCTCCTGAATAACATGGGTAGGTCTGCTCTTTCGTGTG-3'
Protein context (NP_006725.3, residues 1283-1303): SGASGLHPKN[Leu1293Ile]LPKFPSDQSS

ClinVar aggregate classification (germline): Likely benign. Review status: criteria provided, multiple submitters, no conflicts (2 of 4 stars). 3 submissions from 3 submitters: Likely benign (2). 1 of the submissions does not count toward it. Last evaluated 2026-09-01.

Conditions:
HIVEP2-related disorder. Also called: HIVEP2-related condition.

Allele frequency attached by ClinVar (database versions not stated): 1000 Genomes Project 30x 0.00031; 1000 Genomes Project 0.00040; gnomAD 0.00088 and 0.00098; ESP Exome Variant Server 0.00090; TOPMed 0.00115.
gnomAD v4.1: 307 of 1,614,212 alleles (0.019%); highest among the groups gnomAD compares: African/African-American, 0.3%; 1 homozygote.

Submissions (3):

CeGaT Center for Human Genetics Tuebingen
Classification: Likely benign. Last evaluated: 2026-09-01. Review status: criteria provided, single submitter. Criteria: CeGaT Center For Human Genetics Tuebingen Variant Classification Criteria Version 2. Collection method: clinical testing. Allele origin: germline. Affected: yes. Observed: 2 variant alleles.
Comment: HIVEP2: BP4, BS1

Labcorp Genetics (formerly Invitae), Labcorp
Classification: Likely benign. Last evaluated: 2025-11-03. Review status: criteria provided, single submitter. Criteria: Invitae Variant Classification Sherloc (09022015). Collection method: clinical testing. Allele origin: germline.

PreventionGenetics, part of Exact Sciences
Classification: Likely benign for HIVEP2-related condition. Last evaluated: 2019-05-29. Review status: no assertion criteria provided. Collection method: clinical testing. Allele origin: germline. Not counted in ClinVar's aggregate classification.
Comment: This variant is classified as likely benign based on ACMG/AMP sequence variant interpretation guidelines (Richards et al. 2015 PMID: 25741868, with internal and published modifications).